The following is an entry in ClinVar:

ClinVar aggregate classification (germline): Uncertain significance. Review status: criteria provided, multiple submitters, no conflicts (2 of 4 stars). 2 submissions from 2 submitters: Uncertain significance (2). Last evaluated 2026-02-01.

Allele frequency attached by ClinVar (database versions not stated): 1000 Genomes Project 0.00020; gnomAD 0.00003; gnomAD exomes 0.00003; ExAC 0.00004; TOPMed 0.00005; 1000 Genomes Project 30x 0.00016.
gnomAD v4.1: 50 of 1,614,190 alleles (0.0031%); highest among the groups gnomAD compares: South Asian, 0.0099%; no homozygotes.

Submissions (2):

Labcorp Genetics (formerly Invitae), Labcorp
Classification: Uncertain significance. Last evaluated: 2026-02-01. Review status: criteria provided, single submitter. Criteria: Invitae Variant Classification Sherloc (09022015). Collection method: clinical testing. Allele origin: germline.
Comment: This sequence change replaces arginine, which is basic and polar, with glutamine, which is neutral and polar, at codon 1589 of the DSCAML1 protein (p.Arg1589Gln). This variant is present in population databases (rs547034218, gnomAD 0.01%). This missense change has been observed in individual(s) with developmental disorder and/or autism (PMID: 33057194, 35982159). ClinVar contains an entry for this variant (Variation ID: 2148365). An algorithm developed to predict the effect of missense changes on protein structure and function (PolyPhen-2) suggests that this variant is likely to be disruptive. In summary, the available evidence is currently insufficient to determine the role of this variant in disease. Therefore, it has been classified as a Variant of Uncertain Significance.

Ambry Genetics
Classification: Uncertain significance. Last evaluated: 2024-01-08. Review status: criteria provided, single submitter. Criteria: Ambry Variant Classification Scheme 2023. Collection method: clinical testing. Allele origin: germline.

Literature cited by the submitters: PubMed 33057194 (cited by Labcorp Genetics (formerly Invitae), Labcorp); PubMed 35982159 (cited by Labcorp Genetics (formerly Invitae), Labcorp).

NM_020693.4(DSCAML1):c.4586G>A (p.Arg1529Gln)

Gene: DSCAML1 (DS cell adhesion molecule like 1; minus strand). Cytogenetic location: 11q23.3.
Variant type: single nucleotide variant.
Coding change: c.4586G>A on transcript NM_020693.4 (MANE Select); coding-DNA position 4586, G replaced by A.
Protein change: p.Arg1529Gln; replaces arginine 1529 with glutamine.
Molecular consequence: missense variant.
Genome position (GRCh38, 1-based): chr11:117,437,256, C>T on the plus strand (G>A on the coding strand, the complement: DSCAML1 is on the minus strand). VCF-style: chr11-117437256-C-T. GRCh37 (hg19) VCF-style: chr11-117307972-C-T.
Other names: c.4766G>A (NM_020693.2); short protein forms R1529Q.
Identifiers: ClinVar variation 2148365 (VCV002148365.5), dbSNP rs547034218, ClinGen allele CA6296332.